The following is an entry in ClinVar:

ClinVar aggregate classification (germline): Uncertain significance (1 of 4 stars; one submission).

Submission:

GeneDx
Classification: Uncertain significance. Last evaluated: 2021-04-15. Review status: criteria provided, single submitter. Criteria: GeneDx Variant Classification Process June 2021. Collection method: clinical testing. Allele origin: germline. Affected: yes.
Comment: Not observed in large population cohorts (Lek et al., 2016); In silico analysis supports that this missense variant does not alter protein structure/function; Has not been previously published as pathogenic or benign to our knowledge

NM_182931.3(KMT2E):c.2437G>A (p.Gly813Ser)

Gene: KMT2E (lysine methyltransferase 2E (inactive); plus strand). Cytogenetic location: 7q22.3.
Variant type: single nucleotide variant.
Coding change: c.2437G>A on transcript NM_182931.3 (MANE Select); coding-DNA position 2437, G replaced by A.
Protein change: p.Gly813Ser; replaces glycine 813 with serine.
Molecular consequence: missense variant.
Genome position (GRCh38, 1-based): chr7:105,105,679, G>A. VCF-style: chr7-105105679-G-A. GRCh37 (hg19) VCF-style: chr7-104746126-G-A.
Other names: c.2437G>A, p.Gly813Ser (NM_018682.4); short protein forms G813S.
Identifiers: ClinVar variation 1314342 (VCV001314342.2), dbSNP rs2129569775, ClinGen allele CA368786271.
Genomic context (GRCh38, chr7:105,105,679, plus strand): 5'-TTTACTTCACCATTCCTTTCAGAAAAAAGGAGAAGAAAAGAACCTACTGAAAACATTTCT[G>A]GTTCATGCAAGAAGGTAAACTTTTCTTTGGAAGTAAAAATGTAGAATGAGCCAAATGCCA-3'
Protein context (NP_891847.1, residues 803-823): RRKEPTENIS[Gly813Ser]SCKKRWLKQA